The following is an entry in ClinVar:

ClinVar aggregate classification (germline): Uncertain significance (1 of 4 stars; one submission).

Conditions:
Ataxia-telangiectasia syndrome (AT). Also called: ATAXIA-TELANGIECTASIA, FRESNO VARIANT; ATAXIA-TELANGIECTASIA, COMPLEMENTATION GROUP A; Ataxia-telangiectasia, complementation group D; AT, COMPLEMENTATION GROUP C; Ataxia telangiectasia (A-T); LOUIS-BAR SYNDROME. Identifiers: Orphanet 100, MedGen C0004135, MONDO:0008840, OMIM 208900.

Submission:

Labcorp Genetics (formerly Invitae), Labcorp
Classification: Uncertain significance for Ataxia-telangiectasia syndrome. Last evaluated: 2021-02-14. Review status: criteria provided, single submitter. Criteria: Invitae Variant Classification Sherloc (09022015). Collection method: clinical testing. Allele origin: germline.
Comment: This variant has not been reported in the literature in individuals with ATM-related conditions. This variant is not present in population databases (ExAC no frequency). This sequence change replaces glutamic acid with glutamine at codon 1195 of the ATM protein (p.Glu1195Gln). The glutamic acid residue is weakly conserved and there is a small physicochemical difference between glutamic acid and glutamine. Algorithms developed to predict the effect of missense changes on protein structure and function output the following: SIFT: "Tolerated"; PolyPhen-2: "Benign"; Align-GVGD: "Class C0". The glutamine amino acid residue is found in multiple mammalian species, suggesting that this missense change does not adversely affect protein function. These predictions have not been confirmed by published functional studies and their clinical significance is uncertain. In summary, the available evidence is currently insufficient to determine the role of this variant in disease. Therefore, it has been classified as a Variant of Uncertain Significance.

NM_000051.4(ATM):c.3583G>C (p.Glu1195Gln)

Gene: ATM (ATM serine/threonine kinase; plus strand). Cytogenetic location: 11q22.3.
Variant type: single nucleotide variant.
Coding change: c.3583G>C on transcript NM_000051.4 (MANE Select); coding-DNA position 3583, G replaced by C.
Protein change: p.Glu1195Gln; replaces glutamic acid 1195 with glutamine.
Molecular consequence: missense variant.
Genome position (GRCh38, 1-based): chr11:108,282,716, G>C. VCF-style: chr11-108282716-G-C. GRCh37 (hg19) VCF-style: chr11-108153443-G-C.
Other names: c.3583G>C, p.Glu1195Gln (NM_001351834.2); short protein forms E1195Q.
Identifiers: ClinVar variation 1437326 (VCV001437326.8), dbSNP rs2135686630, ClinGen allele CA382522479.